The following is an entry in ClinVar:

NM_207361.6(FREM2):c.9009C>T (p.Val3003=)

Gene: FREM2 (FRAS1 related extracellular matrix 2; plus strand). Cytogenetic location: 13q13.3.
Variant type: single nucleotide variant.
Coding change: c.9009C>T on transcript NM_207361.6 (MANE Select); coding-DNA position 9009, C replaced by T.
Protein change: p.Val3003=; no amino-acid change (valine 3003 retained).
Molecular consequence: synonymous variant.
Genome position (GRCh38, 1-based): chr13:38,880,286, C>T. VCF-style: chr13-38880286-C-T. GRCh37 (hg19) VCF-style: chr13-39454423-C-T.
Identifiers: ClinVar variation 290724 (VCV000290724.16), dbSNP rs145657148, ClinGen allele CA6956292.

ClinVar aggregate classification (germline): Conflicting classifications of pathogenicity. Review status: criteria provided, conflicting classifications (1 of 4 stars). 3 submissions from 3 submitters: Uncertain significance (1); Likely benign (1). 1 of the submissions does not count toward it. Last evaluated 2026-01-21.

Conditions:
FREM2-related disorder. Also called: FREM2-related condition.

Allele frequency attached by ClinVar (database versions not stated): gnomAD 0.00022 and 0.00026; TOPMed 0.00028; ESP Exome Variant Server 0.00031.
gnomAD v4.1: 116 of 1,613,332 alleles (0.0072%); highest among the groups gnomAD compares: Admixed American, 0.083%; no homozygotes.

Submissions (3):

Labcorp Genetics (formerly Invitae), Labcorp
Classification: Likely benign. Last evaluated: 2026-01-21. Review status: criteria provided, single submitter. Criteria: Invitae Variant Classification Sherloc (09022015). Collection method: clinical testing. Allele origin: germline.

Eurofins Ntd Llc (ga)
Classification: Uncertain significance. Last evaluated: 2016-09-14. Review status: criteria provided, single submitter. Criteria: EGL Classification Definitions 2015. Collection method: clinical testing. Allele origin: germline. Observed: 1 variant allele, 1 heterozygote.

PreventionGenetics, part of Exact Sciences
Classification: Likely benign for FREM2-related condition. Last evaluated: 2022-02-07. Review status: no assertion criteria provided. Collection method: clinical testing. Allele origin: germline. Not counted in ClinVar's aggregate classification.
Comment: This variant is classified as likely benign based on ACMG/AMP sequence variant interpretation guidelines (Richards et al. 2015 PMID: 25741868, with internal and published modifications).